The following is an entry in ClinVar:

ClinVar aggregate classification (germline): Uncertain significance (1 of 4 stars; one submission).

Allele frequency attached by ClinVar (database versions not stated): TOPMed below 0.00001; gnomAD 0.00001.
gnomAD v4.1: 1 of 1,614,024 alleles (0.000062%); highest among the groups gnomAD compares: African/African-American, 0.0013%; no homozygotes.

Submission:

GeneDx
Classification: Uncertain significance. Last evaluated: 2021-06-18. Review status: criteria provided, single submitter. Criteria: GeneDx Variant Classification Process June 2021. Collection method: clinical testing. Allele origin: germline. Affected: yes.
Comment: Not observed at significant frequency in large population cohorts (Lek et al., 2016); In silico analysis supports that this missense variant has a deleterious effect on protein structure/function; Has not been previously published as pathogenic or benign to our knowledge; This variant is associated with the following publications: (PMID: 27535533)

NM_170606.3(KMT2C):c.10643C>T (p.Pro3548Leu)

Gene: KMT2C (lysine methyltransferase 2C; minus strand). Cytogenetic location: 7q36.1.
Variant type: single nucleotide variant.
Coding change: c.10643C>T on transcript NM_170606.3 (MANE Select); coding-DNA position 10643, C replaced by T.
Protein change: p.Pro3548Leu; replaces proline 3548 with leucine.
Molecular consequence: missense variant.
Genome position (GRCh38, 1-based): chr7:152,162,934, G>A on the plus strand (C>T on the coding strand, the complement: KMT2C is on the minus strand). VCF-style: chr7-152162934-G-A. GRCh37 (hg19) VCF-style: chr7-151860019-G-A.
Other names: short protein forms P3548L.
Identifiers: ClinVar variation 1197191 (VCV001197191.2), dbSNP rs2092535185, ClinGen allele CA370102977.